The following is an entry in ClinVar:

NM_001081.4(CUBN):c.7612T>C (p.Ser2538Pro)

Gene: CUBN (cubilin; minus strand). Cytogenetic location: 10p13.
Variant type: single nucleotide variant.
Coding change: c.7612T>C on transcript NM_001081.4 (MANE Select); coding-DNA position 7612, T replaced by C.
Protein change: p.Ser2538Pro; replaces serine 2538 with proline.
Molecular consequence: missense variant.
Genome position (GRCh38, 1-based): chr10:16,907,601, A>G on the plus strand (T>C on the coding strand, the complement: CUBN is on the minus strand). VCF-style: chr10-16907601-A-G. GRCh37 (hg19) VCF-style: chr10-16949600-A-G.
Other names: short protein forms S2538P.
Identifiers: ClinVar variation 2997668 (VCV002997668.3), dbSNP rs1841591582, ClinGen allele CA376144359.

ClinVar aggregate classification (germline): Uncertain significance (1 of 4 stars; one submission).

Conditions:
Imerslund-Grasbeck syndrome. Also called: Imerslund-Gräsbeck syndrome; ENTEROCYTE COBALAMIN MALABSORPTION; ENTEROCYTE INTRINSIC FACTOR RECEPTOR, DEFECT OF; PERNICIOUS ANEMIA, JUVENILE, DUE TO SELECTIVE INTESTINAL MALABSORPTION OF VITAMIN B12, WITH PROTEINURIA; Megaloblastic anemia due to inborn errors of metabolism. Identifiers: Orphanet 35858, MedGen C4551825, MONDO:0009853.

Allele frequency attached by ClinVar (database versions not stated): gnomAD exomes below 0.00001.
gnomAD v4.1: 3 of 1,613,384 alleles (0.00019%); highest among the groups gnomAD compares: Non-Finnish European, 0.00025%; no homozygotes.

Submission:

Labcorp Genetics (formerly Invitae), Labcorp
Classification: Uncertain significance for Imerslund-Grasbeck syndrome. Last evaluated: 2023-07-25. Review status: criteria provided, single submitter. Criteria: Invitae Variant Classification Sherloc (09022015). Collection method: clinical testing. Allele origin: germline.
Comment: In summary, the available evidence is currently insufficient to determine the role of this variant in disease. Therefore, it has been classified as a Variant of Uncertain Significance. Advanced modeling of protein sequence and biophysical properties (such as structural, functional, and spatial information, amino acid conservation, physicochemical variation, residue mobility, and thermodynamic stability) performed at Invitae indicates that this missense variant is expected to disrupt CUBN protein function. This variant has not been reported in the literature in individuals affected with CUBN-related conditions. This variant is not present in population databases (gnomAD no frequency). This sequence change replaces serine, which is neutral and polar, with proline, which is neutral and non-polar, at codon 2538 of the CUBN protein (p.Ser2538Pro).